The following is an entry in ClinVar:

NM_003140.3(SRY):c.31G>A (p.Val11Ile)

Gene: SRY (sex determining region Y; minus strand). Cytogenetic location: Yp11.2.
Variant type: single nucleotide variant.
Coding change: c.31G>A on transcript NM_003140.3 (MANE Select); coding-DNA position 31, G replaced by A.
Protein change: p.Val11Ile; replaces valine 11 with isoleucine.
Molecular consequence: missense variant.
Genome position (GRCh38, 1-based): chrY:2,787,573, C>T on the plus strand (G>A on the coding strand, the complement: SRY is on the minus strand). VCF-style: chrY-2787573-C-T. GRCh37 (hg19) VCF-style: chrY-2655614-C-T.
Other names: short protein forms V11I.
Identifiers: ClinVar variation 3674555 (VCV003674555.2).

ClinVar aggregate classification (germline): Uncertain significance (1 of 4 stars; one submission).

Conditions:
46,XY sex reversal 1. Also called: SRY-related 46,XY complete gonadal dysgenesis; 46,XY SEX REVERSAL, SRY-RELATED. Identifiers: Orphanet 242, MedGen C2748896, MONDO:0020712, OMIM 400044.

Submission:

Labcorp Genetics (formerly Invitae), Labcorp
Classification: Uncertain significance for 46,XY sex reversal 1. Last evaluated: 2025-01-06. Review status: criteria provided, single submitter. Criteria: Invitae Variant Classification Sherloc (09022015). Collection method: clinical testing. Allele origin: germline.
Comment: This sequence change replaces valine, which is neutral and non-polar, with isoleucine, which is neutral and non-polar, at codon 11 of the SRY protein (p.Val11Ile). The frequency data for this variant in the population databases is considered unreliable, as metrics indicate insufficient coverage at this position in the gnomAD database. This variant has not been reported in the literature in individuals affected with SRY-related conditions. An algorithm developed to predict the effect of missense changes on protein structure and function (PolyPhen-2) suggests that this variant is likely to be tolerated. In summary, the available evidence is currently insufficient to determine the role of this variant in disease. Therefore, it has been classified as a Variant of Uncertain Significance.